The following is an entry in ClinVar:

NM_000478.6(ALPL):c.667C>T (p.Arg223Trp)

Gene: ALPL (alkaline phosphatase, biomineralization associated; plus strand). Cytogenetic location: 1p36.12.
Variant type: single nucleotide variant.
Coding change: c.667C>T on transcript NM_000478.6 (MANE Select); coding-DNA position 667, C replaced by T.
Protein change: p.Arg223Trp; replaces arginine 223 with tryptophan.
Molecular consequence: missense variant.
Genome position (GRCh38, 1-based): chr1:21,568,122, C>T. VCF-style: chr1-21568122-C-T. GRCh37 (hg19) VCF-style: chr1-21894615-C-T.
Other names: c.502C>T, p.Arg168Trp (NM_001127501.4); c.436C>T, p.Arg146Trp (NM_001177520.3); c.667C>T, p.Arg223Trp (NM_001369803.2, NM_001369804.2, NM_001369805.2); short protein forms R223W, R168W, R146W.
Identifiers: ClinVar variation 189001 (VCV000189001.22), dbSNP rs766076920, ClinGen allele CA274235.
Genomic context (GRCh38, chr1:21,568,122, plus strand): 5'-ATCTTGGAACCCTGCAGAAGTGATGGCTCCTGTCTCTTTTAGGTGATCATGGGGGGTGGC[C>T]GGAAATACATGTACCCCAAGAATAAAACTGATGTGGAGTATGAGAGTGACGAGAAAGCCA-3'
Protein context (NP_000469.3, residues 213-233): RDIDVIMGGG[Arg223Trp]KYMYPKNKTD

ClinVar aggregate classification (germline): Pathogenic. Review status: criteria provided, multiple submitters, no conflicts (2 of 4 stars). 7 submissions from 7 submitters: Pathogenic (5). 2 of the submissions do not count toward it. Last evaluated 2025-11-22.

Conditions:
Hypophosphatasia. Also called: Phosphoethanol-aminuria. Identifiers: Orphanet 436, MedGen C0020630, MeSH D007014, MONDO:0018570.
Infantile hypophosphatasia. Identifiers: Orphanet 247651, Orphanet 436, MedGen C0268412, MONDO:1010169, OMIM 241500, MONDO:0009427.
Adult hypophosphatasia. Identifiers: Orphanet 247676, Orphanet 436, MedGen C0268413, MONDO:1010154, OMIM 146300, MONDO:0007798.

Allele frequency attached by ClinVar (database versions not stated): ExAC 0.00002; gnomAD 0.00002; gnomAD exomes below 0.00001 and 0.00001; TOPMed 0.00002.
gnomAD v4.1: 10 of 1,613,798 alleles (0.00062%); highest among the groups gnomAD compares: South Asian, 0.0011%; no homozygotes.

Submissions (7):

Labcorp Genetics (formerly Invitae), Labcorp
Classification: Pathogenic. Last evaluated: 2025-11-22. Review status: criteria provided, single submitter. Criteria: Invitae Variant Classification Sherloc (09022015). Collection method: clinical testing. Allele origin: germline.
Comment: This sequence change replaces arginine, which is basic and polar, with tryptophan, which is neutral and slightly polar, at codon 223 of the ALPL protein (p.Arg223Trp). This variant is present in population databases (rs766076920, gnomAD 0.003%). This missense change has been observed in individual(s) with hypophosphatasia (PMID: 11760847, 23454488, 24100244). This variant is also known as p.Arg206Trp. ClinVar contains an entry for this variant (Variation ID: 189001). Invitae Evidence Modeling of protein sequence and biophysical properties (such as structural, functional, and spatial information, amino acid conservation, physicochemical variation, residue mobility, and thermodynamic stability) indicates that this missense variant is expected to disrupt ALPL protein function with a positive predictive value of 95%. Experimental studies have shown that this missense change affects ALPL function (PMID: 11760847, 23454488). This variant disrupts the p.Arg223 amino acid residue in ALPL. Other variant(s) that disrupt this residue have been determined to be pathogenic (PMID: 11855933, 15694177, 23509830, 24100244). This suggests that this residue is clinically significant, and that variants that disrupt this residue are likely to be disease-causing. For these reasons, this variant has been classified as Pathogenic.

Genomenon, Inc
Classification: Pathogenic for Hypophosphatasia. Last evaluated: 2025-08-29. Review status: criteria provided, single submitter. Criteria: Genomenon Sequence Variant Interpretation Standards. Collection method: curation. Allele origin: germline. Affected: yes.
Comment: ALPL c.667C>T is a missense variant that changes the amino acid at residue 223 from Arginine to Tryptophan. This variant has been observed in at least one proband affected with hypophosphatasia (PMID:32811521;34673643;11760847;11855933;23454488;15694177). The variant was found to segregate with disease in at least one affected family (PMID:23454488). At least one functional study has demonstrated a substantial alteration in protein function relative to the wild-type (PMID:23454488;11760847;12162492;1 2499779;11760847). This variant has been described as Arg206Trp in the literature. It is absent or not present at a significant frequency in gnomAD. In silico models agree that this variant is possibly or probably damaging. In conclusion, we classify ALPL p.Arg223Trp (c.667C>T) as a pathogenic variant.

Baylor Genetics
Classification: Pathogenic for Adult hypophosphatasia. Last evaluated: 2024-02-19. Review status: criteria provided, single submitter. Criteria: ACMG Guidelines, 2015. Collection method: clinical testing. Allele origin: unknown.

Women's Health and Genetics/Laboratory Corporation of America, LabCorp
Classification: Pathogenic for Hypophosphatasia. Last evaluated: 2023-12-22. Review status: criteria provided, single submitter. Criteria: LabCorp Variant Classification Summary - May 2015. Collection method: clinical testing. Allele origin: germline.
Comment: Variant summary: ALPL c.667C>T (p.Arg223Trp) results in a non-conservative amino acid change in the encoded protein sequence. Five of five in-silico tools predict a damaging effect of the variant on protein function. The variant allele was found at a frequency of 8e-06 in 251478 control chromosomes (gnomAD). c.667C>T (also known as R206W) has been reported in the literature in multiple bi-allelic individuals affected with Hypophosphatasia (example: Mornet_1998, Brun-Heath_2005, Collman_2009, Orimo_2009, Hofmann_2013, McKiernan_2017, DelAngel_2020), however some of these individual had variants classified as VUS or likely benign in trans (Orimo_2009, Brun-Heath_2005). Multiple publications have reported experimental evidence evaluating an impact on protein function. All of these studies have shown variant effect results in <10% of normal activity (example: Hofmann_2013, Orimo_2009, Brun-Heath_2005). The following publications have been ascertained in the context of this evaluation (PMID: 23454488, 11760847, 18769927, 9781036, 28401263, 15694177, 32160374). Three submitters have cited clinical-significance assessments for this variant to ClinVar after 2014. All submitters classified the variant as pathogenic. Based on the evidence outlined above, the variant was classified as pathogenic.

Dasa
Classification: Pathogenic for Hypophosphatasia. Last evaluated: 2022-03-05. Review status: criteria provided, single submitter. Criteria: ACMG Guidelines, 2015. Collection method: clinical testing. Allele origin: germline. Affected: yes. Observed: 1 variant allele.
Comment: Well-established in vitro or in vivo functional studies supportive of a damaging effect on the gene or gene product (PMID: 23454488) - PS3_moderate.The c.667C>T;p.(Arg223Trp) missense variant has been observed in affected individual(s) and ClinVar contains an entry for this variant (ClinVar ID: 189001; PMID: 24100244; PMID: 23454488; PMID: 20383509) - PS4. The variant is located in a mutational hot spot and/or critical and well-established functional domain (Alk-phosphatase) - PM1. The variant is present at low allele frequencies population databases (rs766076920 – gnomAD 0.0001061%; ABraOM no frequency) - PM2_supporting. The p.(Arg223Trp) was detected in trans with a pathogenic variant (PMID: 24100244; PMID: 23454488; PMID: 20383509) - PM3. Pathogenic missense variant in this residue have been reported (ClinVar ID: 381586) - PM5. Multiple lines of computational evidence support a deleterious effect on the gene or gene product - PP3. The variant was identified in an individual with a highly specific phenotype for the condition -PP4. In summary, the currently available evidence indicates that the variant is pathogenic.

Natera, Inc.
Classification: Pathogenic for Hypophosphatasia. Last evaluated: 2021-05-18. Review status: no assertion criteria provided. Collection method: clinical testing. Allele origin: germline. Not counted in ClinVar's aggregate classification.

Counsyl
Classification: Likely pathogenic for Infantile hypophosphatasia. Last evaluated: 2014-10-09. Review status: no assertion criteria provided. Collection method: literature only. Allele origin: unknown. Inheritance: Autosomal recessive inheritance. Not counted in ClinVar's aggregate classification.

Literature cited by the submitters: PubMed 11760847 (cited by 4 submitters); PubMed 23454488 (cited by 5 submitters); PubMed 24100244 (cited by Labcorp Genetics (formerly Invitae), Labcorp and Dasa); PubMed 11855933 (cited by 3 submitters); PubMed 15694177 (cited by 4 submitters); PubMed 23509830 (cited by Labcorp Genetics (formerly Invitae), Labcorp); PubMed 32811521 (cited by Genomenon, Inc); PubMed 34673643 (cited by Genomenon, Inc); PubMed 12162492 (cited by Genomenon, Inc and Counsyl); PubMed 28401263 (cited by Women's Health and Genetics/Laboratory Corporation of America, LabCorp); PubMed 32160374 (cited by Women's Health and Genetics/Laboratory Corporation of America, LabCorp); PubMed 9781036 (cited by Women's Health and Genetics/Laboratory Corporation of America, LabCorp and Counsyl); PubMed 18769927 (cited by Women's Health and Genetics/Laboratory Corporation of America, LabCorp); PubMed 20383509 (cited by Dasa and Counsyl); PubMed 11479741 (cited by Counsyl); PubMed 10332035 (cited by Counsyl).